The following is an entry in ClinVar:

NM_000416.3(IFNGR1):c.590A>G (p.Glu197Gly)

Gene: IFNGR1 (interferon gamma receptor 1; minus strand). Cytogenetic location: 6q23.3.
Variant type: single nucleotide variant.
Coding change: c.590A>G on transcript NM_000416.3 (MANE Select); coding-DNA position 590, A replaced by G.
Protein change: p.Glu197Gly; replaces glutamic acid 197 with glycine.
Molecular consequence: missense variant.
Genome position (GRCh38, 1-based): chr6:137,203,642, T>C on the plus strand (A>G on the coding strand, the complement: IFNGR1 is on the minus strand). VCF-style: chr6-137203642-T-C. GRCh37 (hg19) VCF-style: chr6-137524779-T-C.
Other names: c.560A>G, p.Glu187Gly (NM_001363526.1); c.467A>G, p.Glu156Gly (NM_001363527.1); short protein forms E156G, E197G, E187G.
Identifiers: ClinVar variation 1389223 (VCV001389223.8), dbSNP rs2114474455, ClinGen allele CA365774980.

ClinVar aggregate classification (germline): Uncertain significance (1 of 4 stars; one submission).

Conditions:
Disseminated atypical mycobacterial infection. Identifiers: MedGen C0694566.

Submission:

Labcorp Genetics (formerly Invitae), Labcorp
Classification: Uncertain significance for Disseminated atypical mycobacterial infection. Last evaluated: 2022-08-15. Review status: criteria provided, single submitter. Criteria: Invitae Variant Classification Sherloc (09022015). Collection method: clinical testing. Allele origin: germline.
Comment: In summary, the available evidence is currently insufficient to determine the role of this variant in disease. Therefore, it has been classified as a Variant of Uncertain Significance. Algorithms developed to predict the effect of missense changes on protein structure and function (SIFT, PolyPhen-2, Align-GVGD) all suggest that this variant is likely to be tolerated. ClinVar contains an entry for this variant (Variation ID: 1389223). This variant has not been reported in the literature in individuals affected with IFNGR1-related conditions. This variant is not present in population databases (gnomAD no frequency). This sequence change replaces glutamic acid, which is acidic and polar, with glycine, which is neutral and non-polar, at codon 197 of the IFNGR1 protein (p.Glu197Gly).